The following is an entry in ClinVar:

ClinVar aggregate classification (germline): Uncertain significance (1 of 4 stars; one submission).

Allele frequency attached by ClinVar (database versions not stated): gnomAD 0.00001; TOPMed 0.00002.
gnomAD v4.1: 2 of 1,614,080 alleles (0.00012%); highest among the groups gnomAD compares: African/African-American, 0.0027%; no homozygotes.

Submission:

Ambry Genetics
Classification: Uncertain significance. Last evaluated: 2023-12-10. Review status: criteria provided, single submitter. Criteria: Ambry Variant Classification Scheme 2023. Collection method: clinical testing. Allele origin: germline.
Comment: The p.P574A variant (also known as c.1720C>G), located in coding exon 3 of the ALPK2 gene, results from a C to G substitution at nucleotide position 1720. The proline at codon 574 is replaced by alanine, an amino acid with highly similar properties. This amino acid position is conserved. In addition, this alteration is predicted to be tolerated by in silico analysis. Since supporting evidence is limited at this time, the clinical significance of this alteration remains unclear.

NM_052947.4(ALPK2):c.1720C>G (p.Pro574Ala)

Gene: ALPK2 (alpha kinase 2; minus strand). Cytogenetic location: 18q21.31.
Variant type: single nucleotide variant.
Coding change: c.1720C>G on transcript NM_052947.4 (MANE Select); coding-DNA position 1720, C replaced by G.
Protein change: p.Pro574Ala; replaces proline 574 with alanine.
Molecular consequence: missense variant.
Genome position (GRCh38, 1-based): chr18:58,579,056, G>C on the plus strand (C>G on the coding strand, the complement: ALPK2 is on the minus strand). VCF-style: chr18-58579056-G-C. GRCh37 (hg19) VCF-style: chr18-56246288-G-C.
Other names: short protein forms P574A.
Identifiers: ClinVar variation 1778752 (VCV001778752.2), dbSNP rs1253595745, ClinGen allele CA402560629.